The following is an entry in ClinVar:

ClinVar aggregate classification (germline): Likely benign. Review status: criteria provided, multiple submitters, no conflicts (2 of 4 stars). 4 submissions from 4 submitters: Likely benign (4). Last evaluated 2026-09-01.

Conditions:
Familial thoracic aortic aneurysm and aortic dissection (TAAD). Also called: Thoracic aortic aneurysms and dissections. Identifiers: Orphanet 91387, MedGen C4707243, MONDO:0019625.
Ehlers-Danlos syndrome, type 4 (EDSVASC). Also called: Ehlers-Danlos syndrome vascular type; Ehlers Danlos syndrome, ecchymotic type; Ehlers Danlos syndrome, arterial type; Ehlers Danlos syndrome, Sack-Barabas type; Ehlers-Danlos Syndrome Type IV. Identifiers: Orphanet 286, MedGen C0268338, MONDO:0017314, OMIM 130050.

Allele frequency attached by ClinVar (database versions not stated): TOPMed below 0.00001.

Submissions (4):

CeGaT Center for Human Genetics Tuebingen
Classification: Likely benign. Last evaluated: 2026-09-01. Review status: criteria provided, single submitter. Criteria: CeGaT Center For Human Genetics Tuebingen Variant Classification Criteria Version 2. Collection method: clinical testing. Allele origin: germline. Affected: yes. Observed: 5 variant alleles.
Comment: COL3A1: PM2:Supporting, BP4, BP7

Ambry Genetics
Classification: Likely benign for Familial thoracic aortic aneurysm and aortic dissection. Last evaluated: 2025-05-24. Review status: criteria provided, single submitter. Criteria: Ambry Variant Classification Scheme 2023. Collection method: clinical testing. Allele origin: germline.

Labcorp Genetics (formerly Invitae), Labcorp
Classification: Likely benign for Ehlers-Danlos syndrome, type 4. Last evaluated: 2025-02-11. Review status: criteria provided, single submitter. Criteria: Invitae Variant Classification Sherloc (09022015). Collection method: clinical testing. Allele origin: germline.

Color Diagnostics, LLC DBA Color Health
Classification: Likely benign for Familial thoracic aortic aneurysm and aortic dissection. Last evaluated: 2019-10-28. Review status: criteria provided, single submitter. Criteria: ACMG Guidelines, 2015. Collection method: clinical testing. Allele origin: germline.

NM_000090.4(COL3A1):c.3375T>C (p.Gly1125=)

Gene: COL3A1 (collagen type III alpha 1 chain; plus strand). Cytogenetic location: 2q32.2.
Variant type: single nucleotide variant.
Coding change: c.3375T>C on transcript NM_000090.4 (MANE Select); coding-DNA position 3375, T replaced by C.
Protein change: p.Gly1125=; no amino-acid change (glycine 1125 retained).
Molecular consequence: synonymous variant.
Genome position (GRCh38, 1-based): chr2:189,007,896, T>C. VCF-style: chr2-189007896-T-C. GRCh37 (hg19) VCF-style: chr2-189872622-T-C.
Identifiers: ClinVar variation 529333 (VCV000529333.14), dbSNP rs1355734194, ClinGen allele CA430313493.